The following is an entry in ClinVar:

NM_019098.5(CNGB3):c.644-3C>T

Gene: CNGB3 (cyclic nucleotide gated channel subunit beta 3; minus strand). Cytogenetic location: 8q21.3.
Variant type: single nucleotide variant.
Coding change: c.644-3C>T on transcript NM_019098.5 (MANE Select); 3 bases into the intron before coding-DNA position 644, C replaced by T.
Molecular consequence: intron variant.
Genome position (GRCh38, 1-based): chr8:86,667,136, G>A on the plus strand (C>T on the coding strand, the complement: CNGB3 is on the minus strand). VCF-style: chr8-86667136-G-A. GRCh37 (hg19) VCF-style: chr8-87679364-G-A.
Identifiers: ClinVar variation 2060076 (VCV002060076.1), dbSNP rs763293511, ClinGen allele CA4800315.

ClinVar aggregate classification (germline): Uncertain significance (1 of 4 stars; one submission).

Allele frequency attached by ClinVar (database versions not stated): ExAC 0.00001; TOPMed 0.00002; gnomAD 0.00003; gnomAD exomes 0.00003.
gnomAD v4.1: 46 of 1,612,714 alleles (0.0029%); highest among the groups gnomAD compares: Non-Finnish European, 0.0038%; no homozygotes.

Submission:

Labcorp Genetics (formerly Invitae), Labcorp
Classification: Uncertain significance. Last evaluated: 2022-07-07. Review status: criteria provided, single submitter. Criteria: Invitae Variant Classification Sherloc (09022015). Collection method: clinical testing. Allele origin: germline.
Comment: This sequence change falls in intron 5 of the CNGB3 gene. It does not directly change the encoded amino acid sequence of the CNGB3 protein. It affects a nucleotide within the consensus splice site. This variant is present in population databases (rs763293511, gnomAD 0.003%). This variant has not been reported in the literature in individuals affected with CNGB3-related conditions. Variants that disrupt the consensus splice site are a relatively common cause of aberrant splicing (PMID: 17576681, 9536098). Algorithms developed to predict the effect of sequence changes on RNA splicing suggest that this variant is not likely to affect RNA splicing. In summary, the available evidence is currently insufficient to determine the role of this variant in disease. Therefore, it has been classified as a Variant of Uncertain Significance.

Literature cited by the submitters: PubMed 17576681; PubMed 9536098.